The following is an entry in ClinVar:

NM_000059.4(BRCA2):c.7602G>C (p.Ala2534=)

Gene: BRCA2 (BRCA2 DNA repair associated; plus strand). Cytogenetic location: 13q13.1.
Variant type: single nucleotide variant.
Coding change: c.7602G>C on transcript NM_000059.4 (MANE Select); coding-DNA position 7602, G replaced by C.
Protein change: p.Ala2534=; no amino-acid change (alanine 2534 retained).
Molecular consequence: synonymous variant.
Genome position (GRCh38, 1-based): chr13:32,356,594, G>C. VCF-style: chr13-32356594-G-C. GRCh37 (hg19) VCF-style: chr13-32930731-G-C.
Identifiers: ClinVar variation 187589 (VCV000187589.24), dbSNP rs81002826, ClinGen allele CA025176.
Genomic context (GRCh38, chr13:32,356,594, plus strand): 5'-AACATCCACTCTGCCTCGAATCTCTCTGAAAGCAGCAGTAGGAGGCCAAGTTCCCTCTGC[G>C]TGTTCTCATAAACAGGTATGTGTTTGTCTACAATACTGATGGCTTTTATGACAGAGTGTA-3'
Protein context (NP_000050.3, residues 2524-2544): KAAVGGQVPS[Ala2534=]CSHKQLYTYG

ClinVar aggregate classification (germline): Likely benign. Review status: reviewed by expert panel (3 of 4 stars). 8 submissions from 8 submitters: Likely benign (1). 7 of the submissions do not count toward it. Last evaluated 2017-06-29.

Conditions:
Hereditary cancer-predisposing syndrome. Also called: Hereditary Cancer Syndrome; Neoplastic Syndromes, Hereditary; Tumor predisposition; Hereditary neoplastic syndrome. Identifiers: Orphanet 140162, MedGen C0027672, MeSH D009386, MONDO:0015356.
BRCA2-related cancer predisposition. Identifiers: MedGen CN377758, MONDO:0700269.
Hereditary breast ovarian cancer syndrome. Also called: Hereditary breast and ovarian cancer; Hereditary breast and ovarian cancer syndrome; Breast and ovarian cancer; Hereditary breast and ovarian cancer syndrome (HBOC); Hereditary breast and/or ovarian cancer syndrome; BRCA1- and BRCA2-Associated Hereditary Breast and Ovarian Cancer. Identifiers: Orphanet 145, MedGen C0677776, MeSH D061325, MONDO:0003582. Disease mechanism: loss of function.
Breast-ovarian cancer, familial, susceptibility to, 2 (BROVCA2). Also called: BRCA2 Hereditary Breast and Ovarian Cancer. Identifiers: Orphanet 145, MedGen C2675520, MONDO:0012933, OMIM 612555. Disease mechanism: loss of function.

gnomAD v4.1: 6 of 1,614,114 alleles (0.00037%); highest among the groups gnomAD compares: Non-Finnish European, 0.00051%; no homozygotes.

Submissions (8):

Evidence-based Network for the Interpretation of Germline Mutant Alleles (ENIGMA)
Classification: Likely benign for Breast-ovarian cancer, familial, susceptibility to, 2. Last evaluated: 2017-06-29. Review status: reviewed by expert panel. Criteria: ENIGMA BRCA1/2 Classification Criteria (2017-06-29). Collection method: curation. Allele origin: germline.
Comment: Synonymous substitution variant, with low bioinformatic likelihood to result in a splicing aberration (Splicing prior probability 0.02).

Labcorp Genetics (formerly Invitae), Labcorp
Classification: Likely benign for Hereditary breast ovarian cancer syndrome. Last evaluated: 2026-01-14. Review status: criteria provided, single submitter. Criteria: Invitae Variant Classification Sherloc (09022015). Collection method: clinical testing. Allele origin: germline. Not counted in ClinVar's aggregate classification.

All of Us Research Program, National Institutes of Health
Classification: Likely benign for BRCA2-related cancer predisposition. Last evaluated: 2024-05-30. Review status: criteria provided, single submitter. Criteria: ACMG Guidelines, 2015. Collection method: clinical testing. Allele origin: germline. Inheritance: Autosomal dominant inheritance. Observed: 2 variant alleles, 2 heterozygotes. Not counted in ClinVar's aggregate classification.
Comment: This study involves interpretation of variants in research participants for the purpose of population health screening. Participant phenotype was not available at the time of variant classification. Additional details can be found in publication PMID: 35346344, PMCID: PMC8962531

Quest Diagnostics Nichols Institute San Juan Capistrano
Classification: Likely benign. Last evaluated: 2023-01-30. Review status: criteria provided, single submitter. Criteria: Quest Diagnostics criteria. Collection method: clinical testing. Allele origin: unknown. Not counted in ClinVar's aggregate classification.

Women's Health and Genetics/Laboratory Corporation of America, LabCorp
Classification: Likely benign. Last evaluated: 2022-11-17. Review status: criteria provided, single submitter. Criteria: LabCorp Variant Classification Summary - May 2015. Collection method: clinical testing. Allele origin: germline. Not counted in ClinVar's aggregate classification.

Color Diagnostics, LLC DBA Color Health
Classification: Likely benign for Hereditary cancer-predisposing syndrome. Last evaluated: 2018-04-23. Review status: criteria provided, single submitter. Criteria: ACMG Guidelines, 2015. Collection method: clinical testing. Allele origin: germline. Not counted in ClinVar's aggregate classification.

GeneDx
Classification: Likely benign. Last evaluated: 2017-11-28. Review status: criteria provided, single submitter. Criteria: GeneDx Variant Classification (06012015). Collection method: clinical testing. Allele origin: germline. Affected: yes. Not counted in ClinVar's aggregate classification.
Comment: This variant is considered likely benign or benign based on one or more of the following criteria: it is a conservative change, it occurs at a poorly conserved position in the protein, it is predicted to be benign by multiple in silico algorithms, and/or has population frequency not consistent with disease.

Ambry Genetics
Classification: Likely benign for Hereditary cancer-predisposing syndrome. Last evaluated: 2014-12-24. Review status: criteria provided, single submitter. Criteria: Ambry Variant Classification Scheme 2023. Collection method: clinical testing. Allele origin: germline. Not counted in ClinVar's aggregate classification.

Literature cited by the submitters: PubMed 15026808 (cited by Quest Diagnostics Nichols Institute San Juan Capistrano).